The following is an entry in ClinVar:

NM_000038.6(APC):c.1099T>A (p.Ser367Thr)

Gene: APC (APC regulator of Wnt signaling pathway; plus strand). Cytogenetic location: 5q22.2.
Variant type: single nucleotide variant.
Coding change: c.1099T>A on transcript NM_000038.6 (MANE Select); coding-DNA position 1099, T replaced by A.
Protein change: p.Ser367Thr; replaces serine 367 with threonine.
Molecular consequence: missense variant. On other transcripts: intron variant (4).
Genome position (GRCh38, 1-based): chr5:112,819,131, T>A. VCF-style: chr5-112819131-T-A. GRCh37 (hg19) VCF-style: chr5-112154828-T-A.
Other names: c.1099T>A (NM_000038.5); c.1099T>A, p.Ser367Thr (NM_001127510.3, NM_001354895.2, NM_001354896.2); c.1045T>A, p.Ser349Thr (NM_001127511.3); c.1129T>A, p.Ser377Thr (NM_001354897.2); c.1024T>A, p.Ser342Thr (NM_001354898.2); c.1015T>A, p.Ser339Thr (NM_001354899.2); c.922T>A, p.Ser308Thr (NM_001354900.2, NM_001354901.2); c.250T>A, p.Ser84Thr (NM_001354906.2); and 4 more; short protein forms S308T, S339T, S342T, S349T, S367T, S377T, S84T.
Identifiers: ClinVar variation 1013662 (VCV001013662.11), dbSNP rs1762833685, ClinGen allele CA16023720.

ClinVar aggregate classification (germline): Uncertain significance. Review status: criteria provided, multiple submitters, no conflicts (2 of 4 stars). 2 submissions from 2 submitters: Uncertain significance (2). Last evaluated 2025-08-10.

Conditions:
Hereditary cancer-predisposing syndrome. Also called: Hereditary Cancer Syndrome; Tumor predisposition; Neoplastic Syndromes, Hereditary; Hereditary neoplastic syndrome. Identifiers: Orphanet 140162, MedGen C0027672, MeSH D009386, MONDO:0015356.
Familial adenomatous polyposis 1 (FAP1). Also called: FAMILIAL ADENOMATOUS POLYPOSIS 1, ATTENUATED; POLYPOSIS, ADENOMATOUS INTESTINAL. Identifiers: MedGen C2713442, MONDO:0021056, OMIM 175100. Disease mechanism: loss of function.

Submissions (2):

Ambry Genetics
Classification: Uncertain significance for Hereditary cancer-predisposing syndrome. Last evaluated: 2025-08-10. Review status: criteria provided, single submitter. Criteria: Ambry Variant Classification Scheme 2023. Collection method: clinical testing. Allele origin: germline.
Comment: The p.S367T variant (also known as c.1099T>A), located in coding exon 9 of the APC gene, results from a T to A substitution at nucleotide position 1099. The serine at codon 367 is replaced by threonine, an amino acid with similar properties. This amino acid position is conserved. In addition, in silico predictors for this gene do not accurately predict pathogenicity. Based on the available evidence, the clinical significance of this variant remains unclear.

Labcorp Genetics (formerly Invitae), Labcorp
Classification: Uncertain significance for Familial adenomatous polyposis 1. Last evaluated: 2021-02-24. Review status: criteria provided, single submitter. Criteria: Invitae Variant Classification Sherloc (09022015). Collection method: clinical testing. Allele origin: germline.
Comment: This variant has not been reported in the literature in individuals with APC-related disease. This variant is not present in population databases (ExAC no frequency). This sequence change replaces serine with threonine at codon 367 of the APC protein (p.Ser367Thr). The serine residue is highly conserved and there is a small physicochemical difference between serine and threonine. In summary, the available evidence is currently insufficient to determine the role of this variant in disease. Therefore, it has been classified as a Variant of Uncertain Significance. Algorithms developed to predict the effect of missense changes on protein structure and function (SIFT, PolyPhen-2, Align-GVGD) all suggest that this variant is likely to be tolerated, but these predictions have not been confirmed by published functional studies and their clinical significance is uncertain.